The following is an entry in ClinVar:

ClinVar aggregate classification (germline): Uncertain significance (1 of 4 stars; one submission).

Submission:

GeneDx
Classification: Uncertain significance. Last evaluated: 2022-07-08. Review status: criteria provided, single submitter. Criteria: GeneDx Variant Classification Process June 2021. Collection method: clinical testing. Allele origin: germline. Affected: yes.
Comment: Not observed at significant frequency in large population cohorts (gnomAD); In silico analysis supports that this variant does not alter protein structure/function; Has not been previously published as pathogenic or benign to our knowledge

NM_016111.4(TELO2):c.436_437inv (p.Gln146Trp)

Gene: TELO2 (telomere maintenance 2; plus strand). Cytogenetic location: 16p13.3.
Variant type: Inversion.
Coding change: c.436_437inv on transcript NM_016111.4 (MANE Select).
Protein change: p.Gln146Trp; replaces glutamine 146 with tryptophan.
Molecular consequence: missense variant.
Genome position: GRCh38 VCF-style: chr16-1495446-CA-TG. GRCh37 (hg19) VCF-style: chr16-1545447-CA-TG.
Other names: c.436_437inv, p.Gln146Trp (NM_001351846.2); short protein forms Q146W.
Identifiers: ClinVar variation 1878758 (VCV001878758.1), ClinGen allele CA2580090437.